The following is an entry in ClinVar:

ClinVar aggregate classification (germline): Uncertain significance (0 of 4 stars; one submission).

Conditions:
PTPRQ-related disorder. Also called: PTPRQ-related condition.

gnomAD v4.1: 62 of 1,544,904 alleles (0.004%); highest among the groups gnomAD compares: Non-Finnish European, 0.0053%; no homozygotes.

Submission:

PreventionGenetics, part of Exact Sciences
Classification: Uncertain significance for PTPRQ-related condition. Last evaluated: 2024-08-05. Review status: no assertion criteria provided. Collection method: clinical testing. Allele origin: germline.
Comment: The PTPRQ c.4989G>C is a noncoding alteration. To our knowledge, this variant has not been reported in the literature. This variant is reported in 0.013% of alleles in individuals of African descent in gnomAD. At this time, the clinical significance of this variant is uncertain due to the absence of conclusive functional and genetic evidence.

NM_001145026.2(PTPRQ):c.4989G>C (p.Thr1663=)

Gene: PTPRQ (protein tyrosine phosphatase receptor type Q; plus strand). Cytogenetic location: 12q21.31.
Variant type: single nucleotide variant.
Coding change: c.4989G>C on transcript NM_001145026.2 (MANE Select); coding-DNA position 4989, G replaced by C.
Protein change: p.Thr1663=; no amino-acid change (threonine 1663 retained).
Molecular consequence: synonymous variant.
Genome position (GRCh38, 1-based): chr12:80,613,662, G>C. VCF-style: chr12-80613662-G-C. GRCh37 (hg19) VCF-style: chr12-81007441-G-C.
Identifiers: ClinVar variation 3351082 (VCV003351082.1).